The following is an entry in ClinVar:

ClinVar aggregate classification (germline): Uncertain significance (1 of 4 stars; one submission).

Conditions:
Radio-Tartaglia syndrome. Identifiers: Orphanet 662234, MedGen C5543339, MONDO:0859143, OMIM 619312.

Allele frequency attached by ClinVar (database versions not stated): gnomAD exomes below 0.00001; ExAC 0.00001; gnomAD 0.00007; TOPMed 0.00008.
gnomAD v4.1: 15 of 1,613,968 alleles (0.00093%); highest among the groups gnomAD compares: African/African-American, 0.019%; no homozygotes.

Submission:

Laboratorio de Genetica e Diagnostico Molecular, Hospital Israelita Albert Einstein
Classification: Uncertain significance for Radio-Tartaglia syndrome. Last evaluated: 2022-09-02. Review status: criteria provided, single submitter. Criteria: ACMG Guidelines, 2015. Collection method: clinical testing. Allele origin: germline. Affected: yes. Observed: 1 variant allele.
Comment: ACMG classification criteria: PM2 supporting, BP4 supporting

NM_015001.3(SPEN):c.8239A>C (p.Thr2747Pro)

Gene: SPEN (spen family transcriptional repressor; plus strand). Cytogenetic location: 1p36.13.
Variant type: single nucleotide variant.
Coding change: c.8239A>C on transcript NM_015001.3 (MANE Select); coding-DNA position 8239, A replaced by C.
Protein change: p.Thr2747Pro; replaces threonine 2747 with proline.
Molecular consequence: missense variant.
Genome position (GRCh38, 1-based): chr1:15,934,479, A>C. VCF-style: chr1-15934479-A-C. GRCh37 (hg19) VCF-style: chr1-16260974-A-C.
Other names: short protein forms T2747P.
Identifiers: ClinVar variation 2431700 (VCV002431700.1), dbSNP rs769218911, ClinGen allele CA620245.